The following is an entry in ClinVar:

NM_015272.5(RPGRIP1L):c.2104G>T (p.Glu702Ter)

Gene: RPGRIP1L (RPGRIP1 like; minus strand). Cytogenetic location: 16q12.2.
Variant type: single nucleotide variant.
Coding change: c.2104G>T on transcript NM_015272.5 (MANE Select); coding-DNA position 2104, G replaced by T.
Protein change: p.Glu702Ter; replaces glutamic acid 702 with a stop codon.
Molecular consequence: nonsense.
Genome position (GRCh38, 1-based): chr16:53,652,583, C>A on the plus strand (G>T on the coding strand, the complement: RPGRIP1L is on the minus strand). VCF-style: chr16-53652583-C-A. GRCh37 (hg19) VCF-style: chr16-53686495-C-A.
Other names: c.2104G>T, p.Glu702Ter (NM_001127897.4, NM_001308334.3, NM_001330538.2); short protein forms E702*.
Identifiers: ClinVar variation 953894 (VCV000953894.8), dbSNP rs199975230, ClinGen allele CA395916634.

ClinVar aggregate classification (germline): Pathogenic (1 of 4 stars; one submission).

Conditions:
Meckel-Gruber syndrome. Also called: Dysencephalia splachnocystica; DYSENCEPHALIA SPLANCHNOCYSTICA; GRUBER SYNDROME. Identifiers: Orphanet 564, MedGen C0265215, MONDO:0018921.
Joubert syndrome. Also called: Familial aplasia of the vermis; CEREBELLOPARENCHYMAL DISORDER IV; JOUBERT-BOLTSHAUSER SYNDROME. Identifiers: Orphanet 475, MedGen C5979921, MONDO:0018772.

Submission:

Labcorp Genetics (formerly Invitae), Labcorp
Classification: Pathogenic for Joubert syndrome; Meckel-Gruber syndrome. Last evaluated: 2023-01-15. Review status: criteria provided, single submitter. Criteria: Invitae Variant Classification Sherloc (09022015). Collection method: clinical testing. Allele origin: germline.
Comment: This sequence change creates a premature translational stop signal (p.Glu702*) in the RPGRIP1L gene. It is expected to result in an absent or disrupted protein product. Loss-of-function variants in RPGRIP1L are known to be pathogenic (PMID: 17558409). This variant is not present in population databases (gnomAD no frequency). For these reasons, this variant has been classified as Pathogenic. ClinVar contains an entry for this variant (Variation ID: 953894). This variant has not been reported in the literature in individuals affected with RPGRIP1L-related conditions.

Literature cited by the submitters: PubMed 17558409.